The following is an entry in ClinVar:

NM_000069.3(CACNA1S):c.1481C>T (p.Ser494Phe)

Gene: CACNA1S (calcium voltage-gated channel subunit alpha1 S; minus strand). Cytogenetic location: 1q32.1.
Variant type: single nucleotide variant.
Coding change: c.1481C>T on transcript NM_000069.3 (MANE Select); coding-DNA position 1481, C replaced by T.
Protein change: p.Ser494Phe; replaces serine 494 with phenylalanine.
Molecular consequence: missense variant.
Genome position (GRCh38, 1-based): chr1:201,078,017, G>A on the plus strand (C>T on the coding strand, the complement: CACNA1S is on the minus strand). VCF-style: chr1-201078017-G-A. GRCh37 (hg19) VCF-style: chr1-201047145-G-A.
Other names: short protein forms S494F.
Identifiers: ClinVar variation 3346175 (VCV003346175.4).

ClinVar aggregate classification (germline): Uncertain significance. Review status: criteria provided, multiple submitters, no conflicts (2 of 4 stars). 3 submissions from 3 submitters: Uncertain significance (2). 1 of the submissions does not count toward it. Last evaluated 2024-08-06.

Conditions:
CACNA1S-related disorder. Also called: CACNA1S-related condition.
Malignant hyperthermia, susceptibility to, 5 (MHS5). Also called: CACNA1S-Related Malignant Hyperthermia Susceptibility. Identifiers: Orphanet 423, MedGen C1866077, MONDO:0011163, OMIM 601887.
Hypokalemic periodic paralysis, type 1. Also called: Hypokalemic Periodic Paralysis Type 1 (AD); HypoPP. Identifiers: Orphanet 681, MedGen C3714580, MONDO:0042979, OMIM 170400.

gnomAD v4.1: 2 of 1,614,080 alleles (0.00012%); highest among the groups gnomAD compares: Admixed American, 0.0033%; no homozygotes.

Submissions (3):

All of Us Research Program, National Institutes of Health
Classification: Uncertain significance for Malignant hyperthermia, susceptibility to, 5. Last evaluated: 2024-08-06. Review status: criteria provided, single submitter. Criteria: ACMG Guidelines, 2015. Collection method: clinical testing. Allele origin: germline. Inheritance: Autosomal dominant inheritance. Observed: 1 variant allele, 1 heterozygote.
Comment: This study involves interpretation of variants in research participants for the purpose of population health screening. Participant phenotype was not available at the time of variant classification. Additional details can be found in publication PMID: 35346344, PMCID: PMC8962531

Labcorp Genetics (formerly Invitae), Labcorp
Classification: Uncertain significance for Hypokalemic periodic paralysis, type 1; Malignant hyperthermia, susceptibility to, 5. Last evaluated: 2024-03-26. Review status: criteria provided, single submitter. Criteria: Invitae Variant Classification Sherloc (09022015). Collection method: clinical testing. Allele origin: germline.
Comment: This sequence change replaces serine, which is neutral and polar, with phenylalanine, which is neutral and non-polar, at codon 494 of the CACNA1S protein (p.Ser494Phe). This variant is present in population databases (no rsID available, gnomAD 0.006%). This variant has not been reported in the literature in individuals affected with CACNA1S-related conditions. Advanced modeling of protein sequence and biophysical properties (such as structural, functional, and spatial information, amino acid conservation, physicochemical variation, residue mobility, and thermodynamic stability) performed at Invitae indicates that this missense variant is not expected to disrupt CACNA1S protein function with a negative predictive value of 80%. In summary, the available evidence is currently insufficient to determine the role of this variant in disease. Therefore, it has been classified as a Variant of Uncertain Significance.

PreventionGenetics, part of Exact Sciences
Classification: Uncertain significance for CACNA1S-related condition. Last evaluated: 2024-07-20. Review status: no assertion criteria provided. Collection method: clinical testing. Allele origin: germline. Not counted in ClinVar's aggregate classification.
Comment: The CACNA1S c.1481C>T variant is predicted to result in the amino acid substitution p.Ser494Phe. To our knowledge, this variant has not been reported in the literature. This variant is reported in 0.0054% of alleles in individuals of East Asian descent in gnomAD. At this time, the clinical significance of this variant is uncertain due to the absence of conclusive functional and genetic evidence.